The following is an entry in ClinVar:

ClinVar aggregate classification (germline): Uncertain significance (1 of 4 stars; one submission).

Conditions:
Inborn genetic diseases. Identifiers: MedGen C0950123, MeSH D030342.

Allele frequency attached by ClinVar (database versions not stated): TOPMed below 0.00001; gnomAD 0.00001; gnomAD exomes 0.00001; ExAC 0.00002.
gnomAD v4.1: 12 of 1,613,840 alleles (0.00074%); highest among the groups gnomAD compares: Non-Finnish European, 0.001%; no homozygotes.

Submission:

Ambry Genetics
Classification: Uncertain significance for Inborn genetic diseases. Last evaluated: 2024-02-10. Review status: criteria provided, single submitter. Criteria: Ambry Variant Classification Scheme 2023. Collection method: clinical testing. Allele origin: germline.
Comment: The p.S163A variant (also known as c.487T>G), located in coding exon 5 of the EPAS1 gene, results from a T to G substitution at nucleotide position 487. The serine at codon 163 is replaced by alanine, an amino acid with similar properties. This amino acid position is conserved. In addition, this alteration is predicted to be tolerated by in silico analysis. Since supporting evidence is limited at this time, the clinical significance of this alteration remains unclear.

NM_001430.5(EPAS1):c.487T>G (p.Ser163Ala)

Genes: EPAS1 (endothelial PAS domain protein 1; plus strand), LOC126806210 (BRD4-independent group 4 enhancer GRCh37_chr2:46587586-46588785; plus strand). Cytogenetic location: 2p21.
Variant type: single nucleotide variant.
Coding change: c.487T>G on transcript NM_001430.5 (MANE Select); coding-DNA position 487, T replaced by G.
Protein change: p.Ser163Ala; replaces serine 163 with alanine.
Molecular consequence: missense variant.
Genome position (GRCh38, 1-based): chr2:46,360,670, T>G. VCF-style: chr2-46360670-T-G. GRCh37 (hg19) VCF-style: chr2-46587809-T-G.
Other names: short protein forms S163A.
Identifiers: ClinVar variation 1743788 (VCV001743788.2), dbSNP rs771115759, ClinGen allele CA1644668.